The following is an entry in ClinVar:

NM_001160372.4(TRAPPC9):c.865C>T (p.Gln289Ter)

Gene: TRAPPC9 (trafficking protein particle complex subunit 9; minus strand). Cytogenetic location: 8q24.3.
Variant type: single nucleotide variant.
Coding change: c.865C>T on transcript NM_001160372.4 (MANE Select); coding-DNA position 865, C replaced by T.
Protein change: p.Gln289Ter; replaces glutamine 289 with a stop codon.
Molecular consequence: nonsense. On other transcripts: intron variant (1).
Genome position (GRCh38, 1-based): chr8:140,426,636, G>A on the plus strand (C>T on the coding strand, the complement: TRAPPC9 is on the minus strand). VCF-style: chr8-140426636-G-A. GRCh37 (hg19) VCF-style: chr8-141436735-G-A.
Other names: c.886C>T, p.Gln296Ter (NM_001374682.1); c.865C>T, p.Gln289Ter (NM_001374683.1, NM_001374684.1, NM_031466.8); c.859+8476C>T (NM_001321646.2); short protein forms Q289*, Q296*.
Identifiers: ClinVar variation 4536723 (VCV004536723.1).

ClinVar aggregate classification (germline): Pathogenic (1 of 4 stars; one submission).

Conditions:
Intellectual developmental disorder, autosomal recessive 13. Also called: Intellectual disability, autosomal recessive 13. Identifiers: Orphanet 88616, MedGen C2750791, MONDO:0013173, OMIM 613192.

Submission:

Women's Health and Genetics/Laboratory Corporation of America, LabCorp
Classification: Pathogenic for Intellectual developmental disorder, autosomal recessive 13. Last evaluated: 2025-11-13. Review status: criteria provided, single submitter. Criteria: LabCorp Variant Classification Summary - May 2015. Collection method: clinical testing. Allele origin: germline.
Comment: Variant summary: TRAPPC9 c.865C>T (p.Gln289X) results in a premature termination codon, predicted to cause a truncation of the encoded protein or absence of the protein due to nonsense mediated decay, which are commonly known mechanisms for disease. The variant was absent in 250352 control chromosomes. To our knowledge, no occurrence of c.865C>T in individuals affected with TRAPPC9-related conditions and no experimental evidence demonstrating its impact on protein function have been reported. No submitters have cited clinical-significance assessments for this variant to ClinVar. Based on the evidence outlined above, the variant was classified as pathogenic.